The following is an entry in ClinVar:

NM_183050.4(BCKDHB):c.*2186A>G

Gene: BCKDHB (branched chain keto acid dehydrogenase E1 subunit beta; plus strand). Cytogenetic location: 6q14.1.
Variant type: single nucleotide variant.
Coding change: c.*2186A>G on transcript NM_183050.4 (MANE Select); 2186 bases downstream of the stop codon, A replaced by G.
Molecular consequence: 3 prime UTR variant. On other transcripts: non-coding transcript variant (1).
Genome position (GRCh38, 1-based): chr6:80,345,990, A>G. VCF-style: chr6-80345990-A-G. GRCh37 (hg19) VCF-style: chr6-81055707-A-G.
Other names: c.*24A>G (NM_000056.5); c.*2186A>G (NM_001318975.1).
Identifiers: ClinVar variation 382406 (VCV000382406.1), dbSNP rs938094875, ClinGen allele CA16605597.

ClinVar aggregate classification (germline): Likely benign (1 of 4 stars; one submission).

Allele frequency attached by ClinVar (database versions not stated): TOPMed 0.00025; gnomAD 0.00033 and 0.00036.

Submission:

GeneDx
Classification: Likely benign. Last evaluated: 2016-10-07. Review status: criteria provided, single submitter. Criteria: GeneDx Variant Classification (06012015). Collection method: clinical testing. Allele origin: germline. Affected: yes.
Comment: This variant is considered likely benign or benign based on one or more of the following criteria: it is a conservative change, it occurs at a poorly conserved position in the protein, it is predicted to be benign by multiple in silico algorithms, and/or has population frequency not consistent with disease.